The following is an entry in ClinVar:

NM_005476.7(GNE):c.638A>T (p.Asp213Val)

Gene: GNE (glucosamine (UDP-N-acetyl)-2-epimerase/N-acetylmannosamine kinase; minus strand). Cytogenetic location: 9p13.3.
Variant type: single nucleotide variant.
Coding change: c.638A>T on transcript NM_005476.7 (MANE Select); coding-DNA position 638, A replaced by T.
Protein change: p.Asp213Val; replaces aspartic acid 213 with valine.
Molecular consequence: missense variant. On other transcripts: intron variant (2).
Genome position (GRCh38, 1-based): chr9:36,236,963, T>A on the plus strand (A>T on the coding strand, the complement: GNE is on the minus strand). VCF-style: chr9-36236963-T-A. GRCh37 (hg19) VCF-style: chr9-36236960-T-A.
Other names: c.731A>T, p.Asp244Val (NM_001128227.3); c.638A>T, p.Asp213Val (NM_001190383.3); c.461A>T, p.Asp154Val (NM_001190388.2, NM_001374798.1); c.440-2831A>T (NM_001190384.3); c.617-2831A>T (NM_001374797.1); short protein forms D213V, D244V, D154V.
Identifiers: ClinVar variation 501811 (VCV000501811.8), dbSNP rs1554661565, ClinGen allele CA373415491.

ClinVar aggregate classification (germline): Uncertain significance. Review status: criteria provided, multiple submitters, no conflicts (2 of 4 stars). 3 submissions from 3 submitters: Uncertain significance (3). Last evaluated 2024-11-15.

Conditions:
Sialuria. Also called: Sialic Acid Storage Disease; SIALURIA, FRENCH TYPE. Identifiers: Orphanet 3166, MedGen C0342853, MONDO:0010028, OMIM 269921.
GNE myopathy (NM). Also called: NONAKA DISTAL MYOPATHY; MYOPATHY, DISTAL, WITH OR WITHOUT RIMMED VACUOLES; INCLUSION BODY MYOPATHY, HEREDITARY, AUTOSOMAL RECESSIVE; INCLUSION BODY MYOPATHY 2, AUTOSOMAL RECESSIVE; IBM 2; Inclusion body myopathy autosomal recessive. Identifiers: Orphanet 602, MedGen C1853926, MONDO:0011603, OMIM 605820.

Submissions (3):

Labcorp Genetics (formerly Invitae), Labcorp
Classification: Uncertain significance for Sialuria; GNE myopathy. Last evaluated: 2024-11-15. Review status: criteria provided, single submitter. Criteria: Invitae Variant Classification Sherloc (09022015). Collection method: clinical testing. Allele origin: germline.
Comment: This sequence change replaces aspartic acid, which is acidic and polar, with valine, which is neutral and non-polar, at codon 244 of the GNE protein (p.Asp244Val). This variant is not present in population databases (gnomAD no frequency). This missense change has been observed in individual(s) with GNE-related conditions (PMID: 24796702). ClinVar contains an entry for this variant (Variation ID: 501811). Invitae Evidence Modeling of protein sequence and biophysical properties (such as structural, functional, and spatial information, amino acid conservation, physicochemical variation, residue mobility, and thermodynamic stability) has been performed for this missense variant. However, the output from this modeling did not meet the statistical confidence thresholds required to predict the impact of this variant on GNE protein function. In summary, the available evidence is currently insufficient to determine the role of this variant in disease. Therefore, it has been classified as a Variant of Uncertain Significance.

Revvity Omics, Revvity
Classification: Uncertain significance. Last evaluated: 2023-11-28. Review status: criteria provided, single submitter. Criteria: ACMG Guidelines, 2015. Collection method: clinical testing. Allele origin: germline.

Eurofins Ntd Llc (ga)
Classification: Uncertain significance. Last evaluated: 2017-05-05. Review status: criteria provided, single submitter. Criteria: EGL Classification Definitions 2015. Collection method: clinical testing. Allele origin: germline. Observed: 1 variant allele, 1 heterozygote.

Literature cited by the submitters: PubMed 24796702 (cited by Labcorp Genetics (formerly Invitae), Labcorp and Eurofins Ntd Llc (ga)).